The following is an entry in ClinVar:

NM_000257.4(MYH7):c.345+1G>T

Gene: MYH7 (myosin heavy chain 7; minus strand). Cytogenetic location: 14q11.2.
Variant type: single nucleotide variant.
Coding change: c.345+1G>T on transcript NM_000257.4 (MANE Select); the canonical splice donor site of the intron after coding-DNA position 345, G replaced by T.
Molecular consequence: splice donor variant.
Genome position (GRCh38, 1-based): chr14:23,433,083, C>A on the plus strand (G>T on the coding strand, the complement: MYH7 is on the minus strand). VCF-style: chr14-23433083-C-A. GRCh37 (hg19) VCF-style: chr14-23902292-C-A.
Other names: c.345+1G>T (NM_001407004.1).
Identifiers: ClinVar variation 2027903 (VCV002027903.4), dbSNP rs112907315, ClinGen allele CA389053025.

ClinVar aggregate classification (germline): Uncertain significance (1 of 4 stars; one submission).

Conditions:
Hypertrophic cardiomyopathy. Also called: HYPERTROPHIC MYOCARDIOPATHY. Identifiers: Orphanet 217569, MedGen C0007194, MeSH D002312, MONDO:0005045, HP:0001639.

Submission:

Labcorp Genetics (formerly Invitae), Labcorp
Classification: Uncertain significance for Hypertrophic cardiomyopathy. Last evaluated: 2022-08-30. Review status: criteria provided, single submitter. Criteria: Invitae Variant Classification Sherloc (09022015). Collection method: clinical testing. Allele origin: germline.
Comment: In summary, the available evidence is currently insufficient to determine the role of this variant in disease. Therefore, it has been classified as a Variant of Uncertain Significance. Algorithms developed to predict the effect of sequence changes on RNA splicing suggest that this variant may disrupt the consensus splice site. Disruption of this splice site has been observed in individual(s) with clinical features of MYH7-related conditions (PMID: 29343803). This variant is not present in population databases (gnomAD no frequency). This sequence change affects a donor splice site in intron 4 of the MYH7 gene. It is expected to disrupt RNA splicing. Variants that disrupt the donor or acceptor splice site typically lead to a loss of protein function (PMID: 16199547), however the current clinical and genetic evidence is not sufficient to establish whether loss-of-function variants in MYH7 cause disease.

Literature cited by the submitters: PubMed 29343803; PubMed 16199547.